The following is an entry in ClinVar:

NM_001378477.3(NYX):c.760C>G (p.Leu254Val)

Gene: NYX (nyctalopin; plus strand). Cytogenetic location: Xp11.4.
Variant type: single nucleotide variant.
Coding change: c.760C>G on transcript NM_001378477.3 (MANE Select); coding-DNA position 760, C replaced by G.
Protein change: p.Leu254Val; replaces leucine 254 with valine.
Molecular consequence: missense variant.
Genome position (GRCh38, 1-based): chrX:41,474,228, C>G. VCF-style: chrX-41474228-C-G. GRCh37 (hg19) VCF-style: chrX-41333481-C-G.
Other names: c.760C>G, p.Leu254Val (NM_022567.3); short protein forms L254V.
Identifiers: ClinVar variation 1973909 (VCV001973909.6), dbSNP rs780083539, ClinGen allele CA10389856.

ClinVar aggregate classification (germline): Uncertain significance. Review status: criteria provided, multiple submitters, no conflicts (2 of 4 stars). 2 submissions from 2 submitters: Uncertain significance (2). Last evaluated 2025-04-28.

Allele frequency attached by ClinVar (database versions not stated): TOPMed 0.00002; gnomAD exomes 0.00003; gnomAD 0.00005; ExAC 0.00016.

Submissions (2):

Labcorp Genetics (formerly Invitae), Labcorp
Classification: Uncertain significance. Last evaluated: 2025-04-28. Review status: criteria provided, single submitter. Criteria: Invitae Variant Classification Sherloc (09022015). Collection method: clinical testing. Allele origin: germline.
Comment: This sequence change replaces leucine, which is neutral and non-polar, with valine, which is neutral and non-polar, at codon 259 of the NYX protein (p.Leu259Val). This variant is present in population databases (rs780083539, gnomAD 0.01%). This variant has not been reported in the literature in individuals affected with NYX-related conditions. ClinVar contains an entry for this variant (Variation ID: 1973909). Invitae Evidence Modeling of protein sequence and biophysical properties (such as structural, functional, and spatial information, amino acid conservation, physicochemical variation, residue mobility, and thermodynamic stability) indicates that this missense variant is not expected to disrupt NYX protein function with a negative predictive value of 80%. In summary, the available evidence is currently insufficient to determine the role of this variant in disease. Therefore, it has been classified as a Variant of Uncertain Significance.

Blueprint Genetics
Classification: Uncertain significance. Last evaluated: 2023-09-06. Review status: criteria provided, single submitter. Criteria: ACMG Guidelines, 2015. Collection method: clinical testing. Allele origin: germline.